The following is an entry in ClinVar:

ClinVar aggregate classification (germline): Uncertain significance. Review status: criteria provided, multiple submitters, no conflicts (2 of 4 stars). 3 submissions from 3 submitters: Uncertain significance (3). Last evaluated 2025-09-28.

Conditions:
Hereditary cancer-predisposing syndrome. Also called: Hereditary Cancer Syndrome; Tumor predisposition; Hereditary neoplastic syndrome; Neoplastic Syndromes, Hereditary. Identifiers: Orphanet 140162, MedGen C0027672, MeSH D009386, MONDO:0015356.

Allele frequency attached by ClinVar (database versions not stated): gnomAD exomes below 0.00001; TOPMed below 0.00001; gnomAD 0.00001.

Submissions (3):

Labcorp Genetics (formerly Invitae), Labcorp
Classification: Uncertain significance. Last evaluated: 2025-09-28. Review status: criteria provided, single submitter. Criteria: Invitae Variant Classification Sherloc (09022015). Collection method: clinical testing. Allele origin: germline.
Comment: This sequence change replaces alanine, which is neutral and non-polar, with threonine, which is neutral and polar, at codon 237 of the HOXB13 protein (p.Ala237Thr). This variant is not present in population databases (gnomAD no frequency). This variant has not been reported in the literature in individuals affected with HOXB13-related conditions. ClinVar contains an entry for this variant (Variation ID: 1043202). Invitae Evidence Modeling of protein sequence and biophysical properties (such as structural, functional, and spatial information, amino acid conservation, physicochemical variation, residue mobility, and thermodynamic stability) indicates that this missense variant is not expected to disrupt HOXB13 protein function with a negative predictive value of 80%. In summary, the available evidence is currently insufficient to determine the role of this variant in disease. Therefore, it has been classified as a Variant of Uncertain Significance.

Ambry Genetics
Classification: Uncertain significance for Hereditary cancer-predisposing syndrome. Last evaluated: 2025-06-30. Review status: criteria provided, single submitter. Criteria: Ambry Variant Classification Scheme 2023. Collection method: clinical testing. Allele origin: germline.
Comment: The p.A237T variant (also known as c.709G>A), located in coding exon 2 of the HOXB13 gene, results from a G to A substitution at nucleotide position 709. The alanine at codon 237 is replaced by threonine, an amino acid with similar properties. This amino acid position is conserved. In addition, the in silico prediction for this alteration is inconclusive. Since supporting evidence is limited at this time, the clinical significance of this alteration remains unclear.

Quest Diagnostics Nichols Institute San Juan Capistrano
Classification: Uncertain significance. Last evaluated: 2021-04-04. Review status: criteria provided, single submitter. Criteria: Quest Diagnostics criteria. Collection method: clinical testing. Allele origin: unknown.

NM_006361.6(HOXB13):c.709G>A (p.Ala237Thr)

Gene: HOXB13 (homeobox B13; minus strand). Cytogenetic location: 17q21.32.
Variant type: single nucleotide variant.
Coding change: c.709G>A on transcript NM_006361.6 (MANE Select); coding-DNA position 709, G replaced by A.
Protein change: p.Ala237Thr; replaces alanine 237 with threonine.
Molecular consequence: missense variant.
Genome position (GRCh38, 1-based): chr17:48,726,936, C>T on the plus strand (G>A on the coding strand, the complement: HOXB13 is on the minus strand). VCF-style: chr17-48726936-C-T. GRCh37 (hg19) VCF-style: chr17-46804298-C-T.
Other names: short protein forms A237T.
Identifiers: ClinVar variation 1043202 (VCV001043202.12), dbSNP rs2038217585, ClinGen allele CA400106427.